The following is an entry in ClinVar:

ClinVar aggregate classification (germline): Uncertain significance (1 of 4 stars; one submission).

Conditions:
Glycogen storage disease IXd (GSD9D). Also called: Muscle Phosphorylase Kinase Deficiency; GSD IXd. Identifiers: Orphanet 715, MedGen C1845151, MONDO:0010362, OMIM 300559.

Submission:

Labcorp Genetics (formerly Invitae), Labcorp
Classification: Uncertain significance for Glycogen storage disease IXd. Last evaluated: 2024-01-25. Review status: criteria provided, single submitter. Criteria: Invitae Variant Classification Sherloc (09022015). Collection method: clinical testing. Allele origin: germline.
Comment: This sequence change replaces valine, which is neutral and non-polar, with phenylalanine, which is neutral and non-polar, at codon 1091 of the PHKA1 protein (p.Val1091Phe). This variant is not present in population databases (gnomAD no frequency). This variant has not been reported in the literature in individuals affected with PHKA1-related conditions. An algorithm developed to predict the effect of missense changes on protein structure and function (PolyPhen-2) suggests that this variant is likely to be tolerated. In summary, the available evidence is currently insufficient to determine the role of this variant in disease. Therefore, it has been classified as a Variant of Uncertain Significance.

NM_002637.4(PHKA1):c.3271G>T (p.Val1091Phe)

Gene: PHKA1 (phosphorylase kinase regulatory subunit alpha 1; minus strand). Cytogenetic location: Xq13.1.
Variant type: single nucleotide variant.
Coding change: c.3271G>T on transcript NM_002637.4 (MANE Select); coding-DNA position 3271, G replaced by T.
Protein change: p.Val1091Phe; replaces valine 1091 with phenylalanine.
Molecular consequence: missense variant.
Genome position (GRCh38, 1-based): chrX:72,584,275, C>A on the plus strand (G>T on the coding strand, the complement: PHKA1 is on the minus strand). VCF-style: chrX-72584275-C-A. GRCh37 (hg19) VCF-style: chrX-71804125-C-A.
Other names: c.3232G>T, p.Val1078Phe (NM_001122670.2); c.3055G>T, p.Val1019Phe (NM_001172436.2); short protein forms V1019F, V1078F, V1091F.
Identifiers: ClinVar variation 2877115 (VCV002877115.3), dbSNP rs2522316508, ClinGen allele CA413582370.
Genomic context (GRCh38, chrX:72,584,275, plus strand): 5'-CAGTCACATAAATGTGCAAGAAAGAGACTCTTACCTCTCTAGTGGTAGAGGAAGGAAGGA[C>A]AAACCCTTCAACAGAAAGTCCGTGACACTGCAAAACAGAAAAAAAACCATATCACCAAAA-3'
Protein context (NP_002628.2, residues 1081-1101): KCHGLSVEGF[Val1091Phe]LPSSTTREMT